The following is an entry in ClinVar:

NM_003919.3(SGCE):c.391-908T>C

Genes: CASD1 (CAS1 domain containing 1; plus strand), SGCE (sarcoglycan epsilon; minus strand). Cytogenetic location: 7q21.3.
Variant type: single nucleotide variant.
Coding change: c.391-908T>C on transcript NM_003919.3 (MANE Select); 908 bases into the intron before coding-DNA position 391, T replaced by C.
Molecular consequence: intron variant.
Genome position (GRCh38, 1-based): chr7:94,624,305, A>G on the plus strand (T>C on the coding strand, the complement: SGCE is on the minus strand). VCF-style: chr7-94624305-A-G. GRCh37 (hg19) VCF-style: chr7-94253617-A-G.
Other names: c.268-908T>C (NM_001362809.2, NM_001301139.2); c.391-908T>C (NM_001346717.2, NM_001099400.2, NM_001099401.2); c.499-908T>C (NM_001346715.2, NM_001346713.2); c.304-908T>C (NM_001362807.2, NM_001346719.2); c.118-908T>C (NM_001362808.2, NM_001346720.2).
Identifiers: ClinVar variation 3256799 (VCV003256799.2).

ClinVar aggregate classification (germline): Benign (1 of 4 stars; one submission).

gnomAD v4.1: 142,617 of 397,636 alleles (36%); highest among the groups gnomAD compares: Non-Finnish European, 41%; 27,643 homozygotes.

Submission:

Unidad de Genómica Garrahan, Hospital de Pediatría Garrahan
Classification: Benign. Last evaluated: 2024-07-31. Review status: criteria provided, single submitter. Criteria: ACMG Guidelines, 2015. Collection method: clinical testing. Allele origin: germline. Affected: no. Observed: 57 variant alleles.
Comment: This variant is classified as Benign based on local population frequency. This variant was detected in 61% of patients studied in a panel designed for Epileptic and Developmental Encephalopathy, Progressive Myoclonus Epilepsy and Abnormal Movements and Neurodegeneration with brain iron accumulation. Number of patients: 57. Only high quality variants are reported.